The following is an entry in ClinVar:

NC_000016.10:g.(?_23626226)_(23636344_?)del

Gene: PALB2 (partner and localizer of BRCA2; minus strand). Cytogenetic location: 16p12.2.
Variant type: Deletion.
Identifiers: ClinVar variation 832724 (VCV000832724.7).

ClinVar aggregate classification (germline): Pathogenic (1 of 4 stars; one submission).

Conditions:
Familial cancer of breast. Also called: BREAST CANCER, FAMILIAL; Hereditary breast cancer; hereditary breast carcinoma. Identifiers: Orphanet 227535, MedGen C0346153, MONDO:0016419, OMIM 114480. Disease mechanism: loss of function.

Submission:

Labcorp Genetics (formerly Invitae), Labcorp
Classification: Pathogenic for Familial cancer of breast. Last evaluated: 2023-03-19. Review status: criteria provided, single submitter. Criteria: Invitae Variant Classification Sherloc (09022015). Collection method: clinical testing. Allele origin: germline.
Comment: For these reasons, this variant has been classified as Pathogenic. This variant has not been reported in the literature in individuals affected with PALB2-related conditions. This variant is a gross deletion of the genomic region encompassing exon(s) 4-7 of the PALB2 gene. This deletion is out-of-frame, and is expected to create a premature termination codon and result in an absent or disrupted protein product. Loss-of-function variants in PALB2 are known to be pathogenic (PMID: 17200668, 17200671, 17200672, 24136930, 25099575).

Literature cited by the submitters: PubMed 17200668; PubMed 17200671; PubMed 17200672; PubMed 24136930; PubMed 25099575.